The following is an entry in ClinVar:

ClinVar aggregate classification (germline): Benign. Review status: criteria provided, multiple submitters, no conflicts (2 of 4 stars). 3 submissions from 3 submitters: Benign (3). Last evaluated 2026-08-01.

Submissions (3):

CeGaT Center for Human Genetics Tuebingen
Classification: Benign. Last evaluated: 2026-08-01. Review status: criteria provided, single submitter. Criteria: CeGaT Center For Human Genetics Tuebingen Variant Classification Criteria Version 2. Collection method: clinical testing. Allele origin: germline. Affected: yes. Observed: 1 variant allele.
Comment: RTTN: BS1, BS2

Labcorp Genetics (formerly Invitae), Labcorp
Classification: Benign. Last evaluated: 2025-10-24. Review status: criteria provided, single submitter. Criteria: Invitae Variant Classification Sherloc (09022015). Collection method: clinical testing. Allele origin: germline.

GeneDx
Classification: Benign. Last evaluated: 2020-04-30. Review status: criteria provided, single submitter. Criteria: GeneDx Variant Classification Process June 2021. Collection method: clinical testing. Allele origin: germline. Affected: yes.

NM_173630.4(RTTN):c.5542-9del

Gene: RTTN (rotatin; minus strand). Cytogenetic location: 18q22.2.
Variant type: Deletion.
Coding change: c.5542-9del on transcript NM_173630.4 (MANE Select); 9 bases into the intron before coding-DNA position 5542, one base deleted (T; older notation c.5542-9delT).
Molecular consequence: intron variant.
Genome position (GRCh38, 1-based): chr18:70,030,990, A deleted on the plus strand (T on the coding strand, the reverse complement: RTTN is on the minus strand); the first of 2 consecutive A bases (chr18:70,030,990-70,030,991); deleting either gives the same sequence. VCF-style (leftmost placement, unchanged base first): chr18-70030989-GA-G. GRCh37 (hg19) VCF-style: chr18-67698225-GA-G.
Other names: c.2806-9del (NM_001318520.2).
Identifiers: ClinVar variation 1240445 (VCV001240445.11), dbSNP rs560969810, ClinGen allele CA8994912.